The following is an entry in ClinVar:

ClinVar aggregate classification (germline): Uncertain significance (1 of 4 stars; one submission).

Conditions:
Short-rib thoracic dysplasia 10 with or without polydactyly (SRTD10). Identifiers: Orphanet 474, MedGen C3810175, MONDO:0014284, OMIM 615630.
Retinitis pigmentosa 71 (RP71). Identifiers: Orphanet 791, MedGen C4225342, MONDO:0014618, OMIM 616394.

Allele frequency attached by ClinVar (database versions not stated): gnomAD 0.00001; gnomAD exomes 0.00001; TOPMed 0.00002.
gnomAD v4.1: 7 of 1,611,830 alleles (0.00043%); highest among the groups gnomAD compares: African/African-American, 0.0013%; no homozygotes.

Submission:

Labcorp Genetics (formerly Invitae), Labcorp
Classification: Uncertain significance for Retinitis pigmentosa 71; Short-rib thoracic dysplasia 10 with or without polydactyly. Last evaluated: 2021-08-30. Review status: criteria provided, single submitter. Criteria: Invitae Variant Classification Sherloc (09022015). Collection method: clinical testing. Allele origin: germline.
Comment: This sequence change replaces arginine with glutamine at codon 846 of the IFT172 protein (p.Arg846Gln). The arginine residue is highly conserved and there is a small physicochemical difference between arginine and glutamine. This variant is present in population databases (rs199784373, ExAC 0.01%). This variant has not been reported in the literature in individuals affected with IFT172-related conditions. Algorithms developed to predict the effect of missense changes on protein structure and function are either unavailable or do not agree on the potential impact of this missense change (SIFT: "Deleterious"; PolyPhen-2: "Probably Damaging"; Align-GVGD: "Class C0"). In summary, the available evidence is currently insufficient to determine the role of this variant in disease. Therefore, it has been classified as a Variant of Uncertain Significance.

NM_015662.3(IFT172):c.2537G>A (p.Arg846Gln)

Genes: IFT172 (intraflagellar transport 172; minus strand), LOC126806174 (CDK7 strongly-dependent group 2 enhancer GRCh37_chr2:27681686-27682885; plus strand). Cytogenetic location: 2p23.3.
Variant type: single nucleotide variant.
Coding change: c.2537G>A on transcript NM_015662.3 (MANE Select); coding-DNA position 2537, G replaced by A.
Protein change: p.Arg846Gln; replaces arginine 846 with glutamine.
Molecular consequence: missense variant.
Genome position (GRCh38, 1-based): chr2:27,459,814, C>T on the plus strand (G>A on the coding strand, the complement: IFT172 is on the minus strand). VCF-style: chr2-27459814-C-T. GRCh37 (hg19) VCF-style: chr2-27682681-C-T.
Other names: short protein forms R846Q.
Identifiers: ClinVar variation 1470638 (VCV001470638.5), dbSNP rs199784373, ClinGen allele CA1580252.